The following is an entry in ClinVar:

NM_001048174.2(MUTYH):c.1341G>A (p.Trp447Ter)

Gene: MUTYH (mutY DNA glycosylase; minus strand). Cytogenetic location: 1p34.1.
Variant type: single nucleotide variant.
Coding change: c.1341G>A on transcript NM_001048174.2 (MANE Select); coding-DNA position 1341, G replaced by A.
Protein change: p.Trp447Ter; replaces tryptophan 447 with a stop codon.
Molecular consequence: nonsense. On other transcripts: non-coding transcript variant (2).
Genome position (GRCh38, 1-based): chr1:45,331,233, C>T on the plus strand (G>A on the coding strand, the complement: MUTYH is on the minus strand). VCF-style: chr1-45331233-C-T. GRCh37 (hg19) VCF-style: chr1-45796905-C-T.
Other names: c.1341G>A, p.Trp447Ter (NM_001048171.2, NM_001048173.2, NM_001293195.2); c.1344G>A, p.Trp448Ter (NM_001048172.2); c.1425G>A, p.Trp475Ter (NM_001128425.2); c.1386G>A, p.Trp462Ter (NM_001293190.2); c.1374G>A, p.Trp458Ter (NM_001293191.2); c.1065G>A, p.Trp355Ter (NM_001293192.2, NM_001293196.2); c.996G>A, p.Trp332Ter (NM_001350650.2, NM_001350651.2); c.1416G>A, p.Trp472Ter (NM_012222.3); short protein forms W332*, W355*, W447*, W448*, W458*, W462*, W472*, W475*.
Identifiers: ClinVar variation 1692571 (VCV001692571.6), dbSNP rs2149112121, ClinGen allele CA340132610.

ClinVar aggregate classification (germline): Pathogenic/Likely pathogenic. Review status: criteria provided, multiple submitters, no conflicts (2 of 4 stars). 2 submissions from 2 submitters: Pathogenic (1); Likely pathogenic (1). Last evaluated 2024-03-06.

Conditions:
Hereditary cancer-predisposing syndrome. Also called: Hereditary neoplastic syndrome; Hereditary Cancer Syndrome; Tumor predisposition; Neoplastic Syndromes, Hereditary. Identifiers: Orphanet 140162, MedGen C0027672, MeSH D009386, MONDO:0015356.
Familial adenomatous polyposis 2. Also called: ADENOMAS, MULTIPLE COLORECTAL, AUTOSOMAL RECESSIVE; MUTYH Polyposis; MUTYH-related attenuated familial adenomatous polyposis; Adenomas, multiple colorectal; MUTYH-associated polyposis; COLORECTAL ADENOMATOUS POLYPOSIS, AUTOSOMAL RECESSIVE. Identifiers: Orphanet 220460, Orphanet 247798, MedGen C3272841, MONDO:0012041, OMIM 608456.

Submissions (2):

Labcorp Genetics (formerly Invitae), Labcorp
Classification: Pathogenic for Familial adenomatous polyposis 2. Last evaluated: 2024-03-06. Review status: criteria provided, single submitter. Criteria: Invitae Variant Classification Sherloc (09022015). Collection method: clinical testing. Allele origin: germline.
Comment: This sequence change creates a premature translational stop signal (p.Trp475*) in the MUTYH gene. It is expected to result in an absent or disrupted protein product. Loss-of-function variants in MUTYH are known to be pathogenic (PMID: 18534194, 20663686). This variant is not present in population databases (gnomAD no frequency). This premature translational stop signal has been observed in individual(s) with lymphoma (PMID: 29625052). ClinVar contains an entry for this variant (Variation ID: 1692571). Algorithms developed to predict the effect of sequence changes on RNA splicing suggest that this variant may disrupt the consensus splice site. For these reasons, this variant has been classified as Pathogenic.

Sema4
Classification: Likely pathogenic for Hereditary cancer-predisposing syndrome. Last evaluated: 2022-03-10. Review status: criteria provided, single submitter. Criteria: Sema4 Curation Guidelines. Collection method: curation. Allele origin: germline.
Comment: To the best of our knowledge, the MUTYH c.1425G>A (p.W475X) variant has not been reported in individuals with MUTYH-related disease but this stop codon has been reported in one individual with diffuse large B-cell lymphoma (PMID: 29625052, described as p.W472X in a different transcript). This nonsense variant creates a premature stop codon at residue 475 of the MUTYH protein. At this location, nonsense-mediated decay is predicted to occur, resulting in a loss of gene function. Loss of function variants in MUTYH are known to be pathogenic (PMID: 18534194). This variant is not reported in the population database Genome Aggregation Database (PMID: 32461654) nor in ClinVar. Based on the current evidence available, this variant is interpreted as likely pathogenic.

Literature cited by the submitters: PubMed 18534194 (cited by Labcorp Genetics (formerly Invitae), Labcorp and Sema4); PubMed 20663686 (cited by Labcorp Genetics (formerly Invitae), Labcorp); PubMed 29625052 (cited by Labcorp Genetics (formerly Invitae), Labcorp and Sema4).